The following is an entry in ClinVar:

NM_002691.4(POLD1):c.1824G>A (p.Pro608=)

Gene: POLD1 (DNA polymerase delta 1, catalytic subunit; plus strand). Cytogenetic location: 19q13.33.
Variant type: single nucleotide variant.
Coding change: c.1824G>A on transcript NM_002691.4 (MANE Select); coding-DNA position 1824, G replaced by A.
Protein change: p.Pro608=; no amino-acid change (proline 608 retained).
Molecular consequence: synonymous variant. On other transcripts: non-coding transcript variant (1).
Genome position (GRCh38, 1-based): chr19:50,408,833, G>A. VCF-style: chr19-50408833-G-A. GRCh37 (hg19) VCF-style: chr19-50912090-G-A.
Other names: c.1824G>A, p.Pro608= (NM_001256849.1); c.1902G>A, p.Pro634= (NM_001308632.1).
Identifiers: ClinVar variation 390386 (VCV000390386.35), dbSNP rs372002045, ClinGen allele CA9596289.
Genomic context (GRCh38, chr19:50,408,833, plus strand): 5'-CTCCCCTCCCAGGTACTACGACGTCCCCATCGCCACCCTGGACTTCTCCTCGCTGTACCC[G>A]TCCATCATGATGGCCCACAACCTGTGTTACACCACGCTCCTTCGGCCCGGGACTGCACAG-3'
Protein context (NP_002682.2, residues 598-618): IATLDFSSLY[Pro608=]SIMMAHNLCY

ClinVar aggregate classification (germline): Likely benign. Review status: criteria provided, multiple submitters, no conflicts (2 of 4 stars). 7 submissions from 7 submitters: Likely benign (6). 1 of the submissions does not count toward it. Last evaluated 2026-01-04.

Conditions:
POLD1-related polyposis and colorectal cancer syndrome (CRCS10). Also called: Colorectal cancer 10; Colorectal cancer, susceptibility to, 10; COLORECTAL CANCER, SUSCEPTIBILITY TO, ON CHROMOSOME 19q. Identifiers: Orphanet 220460, MedGen C2675481, MONDO:0012953, OMIM 612591.
POLD1-related disorder. Also called: POLD1-related disorders; POLD1-related condition.
Hereditary cancer-predisposing syndrome. Also called: Neoplastic Syndromes, Hereditary; Hereditary neoplastic syndrome; Tumor predisposition; Hereditary Cancer Syndrome. Identifiers: Orphanet 140162, MedGen C0027672, MeSH D009386, MONDO:0015356.

Allele frequency attached by ClinVar (database versions not stated): gnomAD exomes 0.00001 and 0.00004; ExAC 0.00003; gnomAD 0.00004; TOPMed 0.00007; ESP Exome Variant Server 0.00008.
gnomAD v4.1: 30 of 1,613,994 alleles (0.0019%); highest among the groups gnomAD compares: East Asian, 0.022%; no homozygotes.

Submissions (7):

Labcorp Genetics (formerly Invitae), Labcorp
Classification: Likely benign for POLD1-related polyposis and colorectal cancer syndrome. Last evaluated: 2026-01-04. Review status: criteria provided, single submitter. Criteria: Invitae Variant Classification Sherloc (09022015). Collection method: clinical testing. Allele origin: germline.

CeGaT Center for Human Genetics Tuebingen
Classification: Likely benign. Last evaluated: 2025-11-01. Review status: criteria provided, single submitter. Criteria: CeGaT Center For Human Genetics Tuebingen Variant Classification Criteria Version 2. Collection method: clinical testing. Allele origin: germline. Affected: yes. Observed: 2 variant alleles.
Comment: POLD1: BP4, BP7

Sema4
Classification: Likely benign for Hereditary cancer-predisposing syndrome. Last evaluated: 2021-04-11. Review status: criteria provided, single submitter. Criteria: Sema4 Curation Guidelines. Collection method: curation. Allele origin: germline.

GeneDx
Classification: Likely benign. Last evaluated: 2019-05-02. Review status: criteria provided, single submitter. Criteria: GeneDx Variant Classification Process June 2021. Collection method: clinical testing. Allele origin: germline. Affected: yes.

Quest Diagnostics Nichols Institute San Juan Capistrano
Classification: Likely benign. Last evaluated: 2017-05-13. Review status: criteria provided, single submitter. Criteria: Quest Diagnostics criteria. Collection method: clinical testing. Allele origin: germline.

Ambry Genetics
Classification: Likely benign for Hereditary cancer-predisposing syndrome. Last evaluated: 2016-03-03. Review status: criteria provided, single submitter. Criteria: Ambry Variant Classification Scheme 2023. Collection method: clinical testing. Allele origin: germline.

PreventionGenetics, part of Exact Sciences
Classification: Likely benign for POLD1-related condition. Last evaluated: 2021-04-19. Review status: no assertion criteria provided. Collection method: clinical testing. Allele origin: germline. Not counted in ClinVar's aggregate classification.
Comment: This variant is classified as likely benign based on ACMG/AMP sequence variant interpretation guidelines (Richards et al. 2015 PMID: 25741868, with internal and published modifications).